The following is an entry in ClinVar:

NM_001322934.2(NFKB2):c.4G>A (p.Glu2Lys)

Gene: NFKB2 (nuclear factor kappa B subunit 2; plus strand). Cytogenetic location: 10q24.32.
Variant type: single nucleotide variant.
Coding change: c.4G>A on transcript NM_001322934.2 (MANE Select); coding-DNA position 4, G replaced by A.
Protein change: p.Glu2Lys; replaces glutamic acid 2 with lysine.
Molecular consequence: missense variant.
Genome position (GRCh38, 1-based): chr10:102,395,963, G>A. VCF-style: chr10-102395963-G-A. GRCh37 (hg19) VCF-style: chr10-104155720-G-A.
Other names: c.4G>A, p.Glu2Lys (NM_001077494.3, NM_001261403.3, NM_001288724.1 and 2 more transcripts); short protein forms E2K.
Identifiers: ClinVar variation 965793 (VCV000965793.9), dbSNP rs2061101667, ClinGen allele CA377895674.
Genomic context (GRCh38, chr10:102,395,963, plus strand): 5'-TCTGGGAAGCAGAACCTGGCCGGAGCCACTAGACAGAGCCGGGCCTAGCCCAGAGACATG[G>A]AGAGTTGCTACAACCCAGTGAGTCATGCCGCCTGCCCCTGACCCGGCCGGCTGCCCCTCG-3'
Protein context (NP_001309863.1, residues 1-12): M[Glu2Lys]SCYNPGLDGI

ClinVar aggregate classification (germline): Uncertain significance (1 of 4 stars; one submission).

Conditions:
Immunodeficiency, common variable, 10. Also called: DEFICIT IN ANTERIOR PITUITARY FUNCTION AND VARIABLE IMMUNODEFICIENCY; IMMUNODEFICIENCY, COMMON VARIABLE, WITH CENTRAL ADRENAL INSUFFICIENCY. Identifiers: MedGen C3809991, MONDO:0014260, OMIM 615577.

Submission:

Labcorp Genetics (formerly Invitae), Labcorp
Classification: Uncertain significance for Immunodeficiency, common variable, 10. Last evaluated: 2019-10-21. Review status: criteria provided, single submitter. Criteria: Invitae Variant Classification Sherloc (09022015). Collection method: clinical testing. Allele origin: germline.
Comment: This variant has not been reported in the literature in individuals with NFKB2-related conditions. Algorithms developed to predict the effect of missense changes on protein structure and function (SIFT, PolyPhen-2, Align-GVGD) all suggest that this variant is likely to be tolerated, but these predictions have not been confirmed by published functional studies and their clinical significance is uncertain. In summary, the available evidence is currently insufficient to determine the role of this variant in disease. Therefore, it has been classified as a Variant of Uncertain Significance. This variant is not present in population databases (ExAC no frequency). This sequence change replaces glutamic acid with lysine at codon 2 of the NFKB2 protein (p.Glu2Lys). The glutamic acid residue is weakly conserved and there is a small physicochemical difference between glutamic acid and lysine.